The following is an entry in ClinVar:

NM_004977.3(KCNC3):c.74C>T (p.Pro25Leu)

Genes: KCNC3 (potassium voltage-gated channel subfamily C member 3; minus strand), LOC111811967 (Sharpr-MPRA regulatory region 11330/13384; plus strand). Cytogenetic location: 19q13.33.
Variant type: single nucleotide variant.
Coding change: c.74C>T on transcript NM_004977.3 (MANE Select); coding-DNA position 74, C replaced by T.
Protein change: p.Pro25Leu; replaces proline 25 with leucine.
Molecular consequence: missense variant. On other transcripts: 5 prime UTR variant (1).
Genome position (GRCh38, 1-based): chr19:50,329,009, G>A on the plus strand (C>T on the coding strand, the complement: KCNC3 is on the minus strand). VCF-style: chr19-50329009-G-A. GRCh37 (hg19) VCF-style: chr19-50832266-G-A.
Other names: c.-155C>T (NM_001372305.1); short protein forms P25L.
Identifiers: ClinVar variation 2902127 (VCV002902127.3), dbSNP rs1455735125, ClinGen allele CA406956808.
Genomic context (GRCh38, chr19:50,329,009, plus strand): 5'-TGCGCAGGCTGCTGCTGCTGCGGCGGCAGCGGTGGCGGCGGCGGGGACTCGGGCGGCTGC[G>A]GCGGTGGCGCCGGCTGCTGCTTGCTGGCCCCCTGGCGCCCGCGGAAGGACGAGACGCAGA-3'
Protein context (NP_004968.2, residues 15-35): GASKQQPAPP[Pro25Leu]QPPESPPPPP

ClinVar aggregate classification (germline): Uncertain significance (1 of 4 stars; one submission).

Allele frequency attached by ClinVar (database versions not stated): gnomAD 0.00002; TOPMed 0.00002; gnomAD exomes 0.00024.
gnomAD v4.1: 270 of 1,286,592 alleles (0.021%); highest among the groups gnomAD compares: Non-Finnish European, 0.027%; no homozygotes.

Submission:

Labcorp Genetics (formerly Invitae), Labcorp
Classification: Uncertain significance. Last evaluated: 2024-10-08. Review status: criteria provided, single submitter. Criteria: Invitae Variant Classification Sherloc (09022015). Collection method: clinical testing. Allele origin: germline.
Comment: This sequence change replaces proline, which is neutral and non-polar, with leucine, which is neutral and non-polar, at codon 25 of the KCNC3 protein (p.Pro25Leu). The frequency data for this variant in the population databases is considered unreliable, as metrics indicate poor data quality at this position in the gnomAD database. This variant has not been reported in the literature in individuals affected with KCNC3-related conditions. Invitae Evidence Modeling of protein sequence and biophysical properties (such as structural, functional, and spatial information, amino acid conservation, physicochemical variation, residue mobility, and thermodynamic stability) indicates that this missense variant is not expected to disrupt KCNC3 protein function with a negative predictive value of 95%. In summary, the available evidence is currently insufficient to determine the role of this variant in disease. Therefore, it has been classified as a Variant of Uncertain Significance.